The following is an entry in ClinVar:

ClinVar aggregate classification (germline): Likely pathogenic. Review status: criteria provided, multiple submitters, no conflicts (2 of 4 stars). 3 submissions from 3 submitters: Likely pathogenic (2). 1 of the submissions does not count toward it. Last evaluated 2023-11-19.

Conditions:
Progressive sclerosing poliodystrophy (MTDPS4A). Also called: Alpers-Huttenlocher Syndrome (AHS); Alpers Syndrome; ALPERS PROGRESSIVE INFANTILE POLIODYSTROPHY; Mitochondrial DNA depletion syndrome 4A (Alpers type); ALPERS DIFFUSE DEGENERATION OF CEREBRAL GRAY MATTER WITH HEPATIC CIRRHOSIS; Alpers-Huttenlocher Syndrome. Identifiers: Orphanet 726, MedGen C0205710, MONDO:0008758, OMIM 203700.
POLG-related disorder. Also called: POLG-Related Spectrum Disorders; POLG-related condition; POLG-Related Disorders. Identifiers: MedGen C4763519.

Submissions (3):

Labcorp Genetics (formerly Invitae), Labcorp
Classification: Likely pathogenic for Progressive sclerosing poliodystrophy. Last evaluated: 2023-11-19. Review status: criteria provided, single submitter. Criteria: Invitae Variant Classification Sherloc (09022015). Collection method: clinical testing. Allele origin: germline.
Comment: This sequence change replaces histidine, which is basic and polar, with glutamine, which is neutral and polar, at codon 754 of the POLG protein (p.His754Gln). This variant is not present in population databases (gnomAD no frequency). This missense change has been observed in individual(s) with autosomal recessive POLG-related conditions (PMID: 21880868). In at least one individual the data is consistent with being in trans (on the opposite chromosome) from a pathogenic variant. ClinVar contains an entry for this variant (Variation ID: 619324). Advanced modeling of protein sequence and biophysical properties (such as structural, functional, and spatial information, amino acid conservation, physicochemical variation, residue mobility, and thermodynamic stability) performed at Invitae indicates that this missense variant is expected to disrupt POLG protein function with a positive predictive value of 95%. In summary, the currently available evidence indicates that the variant is pathogenic, but additional data are needed to prove that conclusively. Therefore, this variant has been classified as Likely Pathogenic.

Wong Mito Lab, Molecular and Human Genetics, Baylor College of Medicine
Classification: Likely pathogenic for Progressive sclerosing poliodystrophy. Last evaluated: 2018-10-01. Review status: criteria provided, single submitter. Criteria: ACMG Guidelines, 2015. Collection method: clinical testing. Allele origin: germline.
Comment: The NM_002693.2:c.2262C>G (NP_002684.1:p.His754Gln) [GRCH38: NC_000015.10:g.89323407G>C] variant in POLG gene is interpretated to be a Likely Pathogenic based on ACMG guidelines (PMID: 25741868). This variant meets the following evidence codes reported in the ACMG-guideline. PM2:This variant is absent in key population databases. PM3:Detected in trans with a pathogenic variant for Mitochondrial DNA depletion syndrome 4A (Alpers type) which is a recessive disorder. PP1:This variant is co-segregated with Mitochondrial DNA depletion syndrome 4A (Alpers type) in multiple affected family members. PP2:This is a missense variant in POLG with a low rate of benign and high rate of pathogenic missense variations. PP4:Patient's phenotype or family history is highly specific for POLG. Based on the evidence criteria codes applied, the variant is suggested to be Likely Pathogenic.

PreventionGenetics, part of Exact Sciences
Classification: Uncertain significance for POLG-related condition. Last evaluated: 2024-05-30. Review status: no assertion criteria provided. Collection method: clinical testing. Allele origin: germline. Not counted in ClinVar's aggregate classification.
Comment: The POLG c.2262C>G variant is predicted to result in the amino acid substitution p.His754Gln. This variant was reported in an individual with POLG deficiency with features of developmental delay, intractable seizure/refractory, hepatic failure, cerebellar atrophy, liver failure (Tang et al. 2011. PubMed ID: 21880868). This variant has not been reported in a large population database, indicating this variant is rare. At this time, the clinical significance of this variant is uncertain due to the absence of conclusive functional and genetic evidence.

Literature cited by the submitters: PubMed 21880868 (cited by Labcorp Genetics (formerly Invitae), Labcorp).

NM_002693.3(POLG):c.2262C>G (p.His754Gln)

Gene: POLG (DNA polymerase gamma, catalytic subunit; minus strand). Cytogenetic location: 15q26.1.
Variant type: single nucleotide variant.
Coding change: c.2262C>G on transcript NM_002693.3 (MANE Select); coding-DNA position 2262, C replaced by G.
Protein change: p.His754Gln; replaces histidine 754 with glutamine.
Molecular consequence: missense variant.
Genome position (GRCh38, 1-based): chr15:89,323,407, G>C on the plus strand (C>G on the coding strand, the complement: POLG is on the minus strand). VCF-style: chr15-89323407-G-C. GRCh37 (hg19) VCF-style: chr15-89866638-G-C.
Other names: c.2262C>G, p.His754Gln (NM_001126131.2); short protein forms H754Q.
Identifiers: ClinVar variation 619324 (VCV000619324.13), dbSNP rs1567188178, ClinGen allele CA10602220.
Genomic context (GRCh38, chr15:89,323,407, plus strand): 5'-GTGGGCCTTGAGCAGAATGAGGAAACACCACAGGACAGGCCATGACCCAGGACACACCTT[G>C]TGAGGCAGCTTGAAAAACCAGCAGCCAGGGATGTCCACGTCGTTGTAAGGTCCATTGCCA-3'
Protein context (NP_002684.1, residues 744-764): IPGCWFFKLP[His754Gln]KDGNSCNVGS